The following is an entry in ClinVar:

NM_002907.4(RECQL):c.1742A>G (p.Asn581Ser)

Genes: PYROXD1 (pyridine nucleotide-disulphide oxidoreductase domain 1; plus strand), RECQL (RecQ like helicase; minus strand). Cytogenetic location: 12p12.1.
Variant type: single nucleotide variant.
Coding change: c.1742A>G on transcript NM_002907.4 (MANE Select); coding-DNA position 1742, A replaced by G.
Protein change: p.Asn581Ser; replaces asparagine 581 with serine.
Molecular consequence: missense variant. On other transcripts: 3 prime UTR variant (3).
Genome position (GRCh38, 1-based): chr12:21,471,024, T>C on the plus strand (A>G on the coding strand, the complement: RECQL is on the minus strand). VCF-style: chr12-21471024-T-C. GRCh37 (hg19) VCF-style: chr12-21623958-T-C.
Other names: c.1742A>G, p.Asn581Ser (NM_032941.3); c.*2270T>C (NM_001350912.2, NM_001350913.2, NM_024854.5); short protein forms N581S.
Identifiers: ClinVar variation 1035666 (VCV001035666.11), dbSNP rs758132730, ClinGen allele CA6478659.

ClinVar aggregate classification (germline): Conflicting classifications of pathogenicity. Review status: criteria provided, conflicting classifications (1 of 4 stars). 2 submissions from 2 submitters: Uncertain significance (1); Likely benign (1). Last evaluated 2024-11-15.

Allele frequency attached by ClinVar (database versions not stated): gnomAD exomes 0.00002 and 0.00003; TOPMed 0.00002; ExAC 0.00003; gnomAD 0.00003 and 0.00004.
gnomAD v4.1: 54 of 1,598,984 alleles (0.0034%); highest among the groups gnomAD compares: African/African-American, 0.0068%; no homozygotes.

Submissions (2):

Labcorp Genetics (formerly Invitae), Labcorp
Classification: Uncertain significance. Last evaluated: 2024-11-15. Review status: criteria provided, single submitter. Criteria: Invitae Variant Classification Sherloc (09022015). Collection method: clinical testing. Allele origin: germline.
Comment: This sequence change replaces asparagine, which is neutral and polar, with serine, which is neutral and polar, at codon 581 of the RECQL protein (p.Asn581Ser). This variant is present in population databases (rs758132730, gnomAD 0.004%). This variant has not been reported in the literature in individuals affected with RECQL-related conditions. ClinVar contains an entry for this variant (Variation ID: 1035666). Invitae Evidence Modeling of protein sequence and biophysical properties (such as structural, functional, and spatial information, amino acid conservation, physicochemical variation, residue mobility, and thermodynamic stability) indicates that this missense variant is not expected to disrupt RECQL protein function with a negative predictive value of 80%. In summary, the available evidence is currently insufficient to determine the role of this variant in disease. Therefore, it has been classified as a Variant of Uncertain Significance.

Ambry Genetics
Classification: Likely benign. Last evaluated: 2024-03-29. Review status: criteria provided, single submitter. Criteria: Ambry Variant Classification Scheme 2023. Collection method: clinical testing. Allele origin: germline.